The following is an entry in ClinVar:

NM_015836.4(WARS2):c.143A>G (p.His48Arg)

Gene: WARS2 (tryptophanyl tRNA synthetase 2, mitochondrial; minus strand). Cytogenetic location: 1p12.
Variant type: single nucleotide variant.
Coding change: c.143A>G on transcript NM_015836.4 (MANE Select); coding-DNA position 143, A replaced by G.
Protein change: p.His48Arg; replaces histidine 48 with arginine.
Molecular consequence: missense variant. On other transcripts: 5 prime UTR variant (1), intron variant (1).
Genome position (GRCh38, 1-based): chr1:119,076,555, T>C on the plus strand (A>G on the coding strand, the complement: WARS2 is on the minus strand). VCF-style: chr1-119076555-T-C. GRCh37 (hg19) VCF-style: chr1-119619178-T-C.
Other names: c.74A>G, p.His25Arg (NM_001378226.1, NM_001378227.1); c.143A>G, p.His48Arg (NM_001378228.1, NM_001378231.1, NM_201263.2); c.-140A>G (NM_001378230.1); c.91-30893A>G (NM_001378229.1); short protein forms H48R, H25R.
Identifiers: ClinVar variation 521795 (VCV000521795.13), dbSNP rs1296437426, ClinGen allele CA341438346.

ClinVar aggregate classification (germline): Conflicting classifications of pathogenicity. Review status: criteria provided, conflicting classifications (1 of 4 stars). 3 submissions from 3 submitters: Likely pathogenic (1); Uncertain significance (2). Last evaluated 2024-01-08.

Conditions:
Inborn genetic diseases. Identifiers: MedGen C0950123, MeSH D030342.
Neurodevelopmental disorder, mitochondrial, with abnormal movements and lactic acidosis, with or without seizures. Identifiers: Orphanet 572798, MedGen C4540192, MONDO:0060578, OMIM 617710.

Allele frequency attached by ClinVar (database versions not stated): gnomAD 0.00001.
gnomAD v4.1: 1 of 1,614,064 alleles (0.000062%); highest among the groups gnomAD compares: African/African-American, 0.0013%; no homozygotes.

Submissions (3):

Labcorp Genetics (formerly Invitae), Labcorp
Classification: Uncertain significance. Last evaluated: 2024-01-08. Review status: criteria provided, single submitter. Criteria: Invitae Variant Classification Sherloc (09022015). Collection method: clinical testing. Allele origin: germline.
Comment: This sequence change replaces histidine, which is basic and polar, with arginine, which is basic and polar, at codon 48 of the WARS2 protein (p.His48Arg). This variant is present in population databases (no rsID available, gnomAD 0.01%). This variant has not been reported in the literature in individuals affected with WARS2-related conditions. ClinVar contains an entry for this variant (Variation ID: 521795). Advanced modeling of protein sequence and biophysical properties (such as structural, functional, and spatial information, amino acid conservation, physicochemical variation, residue mobility, and thermodynamic stability) performed at Invitae indicates that this missense variant is expected to disrupt WARS2 protein function with a positive predictive value of 80%. In summary, the available evidence is currently insufficient to determine the role of this variant in disease. Therefore, it has been classified as a Variant of Uncertain Significance.

Institute of Human Genetics Munich, TUM University Hospital
Classification: Likely pathogenic for Neurodevelopmental disorder, mitochondrial, with abnormal movements and lactic acidosis, with or without seizures. Last evaluated: 2023-12-01. Review status: criteria provided, single submitter. Criteria: Classification criteria August 2017. Collection method: clinical testing. Allele origin: maternal. Inheritance: Autosomal recessive inheritance. Affected: yes. Observed: 1 variant allele.

Ambry Genetics
Classification: Uncertain significance for Inborn genetic diseases. Last evaluated: 2017-07-05. Review status: criteria provided, single submitter. Criteria: Ambry exome assertion method (8-5-2015). Collection method: clinical testing. Allele origin: germline. Affected: yes. Observed: 1 variant allele.